The following is an entry in ClinVar:

ClinVar aggregate classification (germline): Pathogenic (1 of 4 stars; one submission).

Submission:

CeGaT Center for Human Genetics Tuebingen
Classification: Pathogenic. Last evaluated: 2025-05-01. Review status: criteria provided, single submitter. Criteria: CeGaT Center For Human Genetics Tuebingen Variant Classification Criteria Version 2. Collection method: clinical testing. Allele origin: germline. Affected: yes. Observed: 1 variant allele.
Comment: ATP1A2: PP1:Strong, PM2, PS4:Moderate, PP2, PP3, PS3:Supporting

NM_000702.4(ATP1A2):c.2995G>C (p.Asp999His)

Gene: ATP1A2 (ATPase Na+/K+ transporting subunit alpha 2; plus strand). Cytogenetic location: 1q23.2.
Variant type: single nucleotide variant.
Coding change: c.2995G>C on transcript NM_000702.4 (MANE Select); coding-DNA position 2995, G replaced by C.
Protein change: p.Asp999His; replaces aspartic acid 999 with histidine.
Molecular consequence: missense variant.
Genome position (GRCh38, 1-based): chr1:160,139,945, G>C. VCF-style: chr1-160139945-G-C. GRCh37 (hg19) VCF-style: chr1-160109735-G-C.
Other names: short protein forms D999H.
Identifiers: ClinVar variation 3905629 (VCV003905629.10).